The following is an entry in ClinVar:

ClinVar aggregate classification (germline): Benign/Likely benign. Review status: criteria provided, multiple submitters, no conflicts (2 of 4 stars). 4 submissions from 4 submitters: Benign (1); Likely benign (3). Last evaluated 2025-03-04.

Conditions:
Breast and/or ovarian cancer. Identifiers: MedGen CN221562.
Hereditary cancer-predisposing syndrome. Also called: Tumor predisposition; Hereditary Cancer Syndrome; Hereditary neoplastic syndrome; Neoplastic Syndromes, Hereditary. Identifiers: Orphanet 140162, MedGen C0027672, MeSH D009386, MONDO:0015356.

Allele frequency attached by ClinVar (database versions not stated): gnomAD 0.00001 and 0.00002; ExAC 0.00005; TOPMed 0.00005; ESP Exome Variant Server 0.00008.

Submissions (4):

Center for Genomic Medicine, Rigshospitalet, Copenhagen University Hospital
Classification: Likely benign. Last evaluated: 2025-03-04. Review status: criteria provided, single submitter. Criteria: ACMG Guidelines, 2015. Collection method: clinical testing. Allele origin: germline.

CHEO Genetics Diagnostic Laboratory, Children's Hospital of Eastern Ontario
Classification: Likely benign for Breast and/or ovarian cancer. Last evaluated: 2023-06-05. Review status: criteria provided, single submitter. Criteria: ACMG Guidelines, 2015. Collection method: clinical testing. Allele origin: germline.

Color Diagnostics, LLC DBA Color Health
Classification: Likely benign for Hereditary cancer-predisposing syndrome. Last evaluated: 2017-01-03. Review status: criteria provided, single submitter. Criteria: ACMG Guidelines, 2015. Collection method: clinical testing. Allele origin: germline.

GeneDx
Classification: Benign. Last evaluated: 2014-09-15. Review status: criteria provided, single submitter. Criteria: GeneDx Variant Classification (06012015). Collection method: clinical testing. Allele origin: germline. Affected: yes.
Comment: This variant is considered likely benign or benign based on one or more of the following criteria: it is a conservative change, it occurs at a poorly conserved position in the protein, it is predicted to be benign by multiple in silico algorithms, and/or has population frequency not consistent with disease.

NM_000535.7(PMS2):c.-18G>C

Gene: PMS2 (PMS1 homolog 2, mismatch repair system component; minus strand). Cytogenetic location: 7p22.1.
Variant type: single nucleotide variant.
Coding change: c.-18G>C on transcript NM_000535.7 (MANE Select); 18 bases upstream of the start codon, G replaced by C.
Molecular consequence: 5 prime UTR variant. On other transcripts: non-coding transcript variant (1).
Genome position (GRCh38, 1-based): chr7:6,009,037, C>G on the plus strand (G>C on the coding strand, the complement: PMS2 is on the minus strand). VCF-style: chr7-6009037-C-G. GRCh37 (hg19) VCF-style: chr7-6048668-C-G.
Other names: c.-418G>C (NM_001322003.2, NM_001322013.2); c.-283G>C (NM_001322004.2, NM_001322010.2); c.-613G>C (NM_001322005.2); c.-18G>C (NM_001322006.2, NM_001322014.2); c.-233G>C (NM_001322007.2); c.-93G>C (NM_001322008.2); c.-608G>C (NM_001322009.2); c.-902G>C (NM_001322011.2); and 2 more.
Identifiers: ClinVar variation 182814 (VCV000182814.8), dbSNP rs200624125, ClinGen allele CA010428.